The following is an entry in ClinVar:

ClinVar aggregate classification (germline): Likely benign (1 of 4 stars; one submission).

Allele frequency attached by ClinVar (database versions not stated): 1000 Genomes Project 0.00140; 1000 Genomes Project 30x 0.00141; gnomAD 0.00279; TOPMed 0.00280; ExAC 0.00283; ESP Exome Variant Server 0.00354; gnomAD exomes 0.00454.
gnomAD v4.1: 7,088 of 1,613,808 alleles (0.44%); highest among the groups gnomAD compares: Non-Finnish European, 0.53%; 31 homozygotes.

Submission:

CeGaT Center for Human Genetics Tuebingen
Classification: Likely benign. Last evaluated: 2023-01-01. Review status: criteria provided, single submitter. Criteria: CeGaT Center For Human Genetics Tuebingen Variant Classification Criteria Version 2. Collection method: clinical testing. Allele origin: germline. Affected: yes. Observed: 3 variant alleles.
Comment: RNF17: BP4, BS2

NM_031277.3(RNF17):c.3258A>G (p.Lys1086=)

Gene: RNF17 (ring finger protein 17; plus strand). Cytogenetic location: 13q12.12.
Variant type: single nucleotide variant.
Coding change: c.3258A>G on transcript NM_031277.3 (MANE Select); coding-DNA position 3258, A replaced by G.
Protein change: p.Lys1086=; no amino-acid change (lysine 1086 retained).
Molecular consequence: synonymous variant.
Genome position (GRCh38, 1-based): chr13:24,851,509, A>G. VCF-style: chr13-24851509-A-G. GRCh37 (hg19) VCF-style: chr13-25425647-A-G.
Other names: c.3246A>G, p.Lys1082= (NM_001184993.2).
Identifiers: ClinVar variation 2643695 (VCV002643695.24), dbSNP rs34209003, ClinGen allele CA6918602.